The following is an entry in ClinVar:

ClinVar aggregate classification (germline): Benign/Likely benign. Review status: criteria provided, multiple submitters, no conflicts (2 of 4 stars). 3 submissions from 3 submitters: Benign (1); Likely benign (2). Last evaluated 2024-06-09.

Conditions:
Hereditary cancer-predisposing syndrome. Also called: Tumor predisposition; Neoplastic Syndromes, Hereditary; Hereditary Cancer Syndrome; Hereditary neoplastic syndrome. Identifiers: Orphanet 140162, MedGen C0027672, MeSH D009386, MONDO:0015356.
Familial adenomatous polyposis 1 (FAP1). Also called: POLYPOSIS, ADENOMATOUS INTESTINAL; FAMILIAL ADENOMATOUS POLYPOSIS 1, ATTENUATED. Identifiers: MedGen C2713442, MONDO:0021056, OMIM 175100. Disease mechanism: loss of function.

Submissions (3):

Ambry Genetics
Classification: Likely benign for Hereditary cancer-predisposing syndrome. Last evaluated: 2024-06-09. Review status: criteria provided, single submitter. Criteria: Ambry Variant Classification Scheme 2023. Collection method: clinical testing. Allele origin: germline.

Myriad Genetics, Inc.
Classification: Benign for Familial adenomatous polyposis 1. Last evaluated: 2024-04-09. Review status: criteria provided, single submitter. Criteria: Myriad Autosomal Dominant, Autosomal Recessive and X-Linked Classification Criteria (2023). Collection method: clinical testing. Allele origin: unknown.
Comment: This variant is considered benign. This variant is a silent/synonymous amino acid change and it is not expected to impact splicing.

Labcorp Genetics (formerly Invitae), Labcorp
Classification: Likely benign for Familial adenomatous polyposis 1. Last evaluated: 2023-02-15. Review status: criteria provided, single submitter. Criteria: Invitae Variant Classification Sherloc (09022015). Collection method: clinical testing. Allele origin: germline.

NM_000038.6(APC):c.7524A>T (p.Pro2508=)

Gene: APC (APC regulator of Wnt signaling pathway; plus strand). Cytogenetic location: 5q22.2.
Variant type: single nucleotide variant.
Coding change: c.7524A>T on transcript NM_000038.6 (MANE Select); coding-DNA position 7524, A replaced by T.
Protein change: p.Pro2508=; no amino-acid change (proline 2508 retained).
Molecular consequence: synonymous variant. On other transcripts: non-coding transcript variant (2).
Genome position (GRCh38, 1-based): chr5:112,843,118, A>T. VCF-style: chr5-112843118-A-T. GRCh37 (hg19) VCF-style: chr5-112178815-A-T.
Other names: c.7524A>T, p.Pro2508= (NM_001127510.3, NM_001354895.2, NM_001407450.1); c.7470A>T, p.Pro2490= (NM_001127511.3); c.7578A>T, p.Pro2526= (NM_001354896.2, NM_001407447.1, NM_001407448.1 and 1 more transcripts); c.7251A>T, p.Pro2417= (NM_001354902.2); c.7554A>T, p.Pro2518= (NM_001354897.2); c.7449A>T, p.Pro2483= (NM_001354898.2); c.7440A>T, p.Pro2480= (NM_001354899.2); c.7401A>T, p.Pro2467= (NM_001354900.2); and 12 more.
Identifiers: ClinVar variation 2837711 (VCV002837711.5), dbSNP rs2149988898, ClinGen allele CA446210874.